The following is an entry in ClinVar:

NM_001354604.2(MITF):c.862A>C (p.Ile288Leu)

Gene: MITF (melanocyte inducing transcription factor; plus strand). Cytogenetic location: 3p13.
Variant type: single nucleotide variant.
Coding change: c.862A>C on transcript NM_001354604.2 (MANE Select); coding-DNA position 862, A replaced by C.
Protein change: p.Ile288Leu; replaces isoleucine 288 with leucine.
Molecular consequence: missense variant.
Genome position (GRCh38, 1-based): chr3:69,949,150, A>C. VCF-style: chr3-69949150-A-C. GRCh37 (hg19) VCF-style: chr3-69998301-A-C.
Other names: c.541A>C, p.Ile181Leu (NM_000248.4, NM_198158.3); c.706A>C, p.Ile236Leu (NM_001184967.2, NM_001354608.2); c.859A>C, p.Ile287Leu (NM_001354605.2, NM_001354606.2, NM_006722.3); c.811A>C, p.Ile271Leu (NM_001354607.2); c.862A>C, p.Ile288Leu (NM_198159.3); c.814A>C, p.Ile272Leu (NM_198177.3); c.373A>C, p.Ile125Leu (NM_198178.3); short protein forms I125L, I181L, I236L, I271L, I272L, I287L, I288L.
Identifiers: ClinVar variation 1683902 (VCV001683902.2), dbSNP rs1461382408, ClinGen allele CA353561442.
Genomic context (GRCh38, chr3:69,949,150, plus strand): 5'-CAAGGTCTGCCCCCACCAGGCCTCACCATCAGCAACTCCTGTCCAGCCAACCTTCCCAAC[A>C]TAAAAAGGGAGCTCACAGGTAAACACCTAGTAAATGTGCCTCTTACTGCAGATTTCTGTC-3'
Protein context (NP_001341533.1, residues 278-298): SNSCPANLPN[Ile288Leu]KRELTACIFP

ClinVar aggregate classification (germline): Uncertain significance (1 of 4 stars; one submission).

Submission:

GeneDx
Classification: Uncertain significance. Last evaluated: 2021-11-03. Review status: criteria provided, single submitter. Criteria: GeneDx Variant Classification Process June 2021. Collection method: clinical testing. Allele origin: germline. Affected: yes.
Comment: Not observed at significant frequency in large population cohorts (gnomAD); In silico analysis supports that this missense variant does not alter protein structure/function; Has not been previously published as pathogenic or benign to our knowledge